The following is an entry in ClinVar:

NM_001386298.1(CIC):c.3059dup (p.His1021fs)

Gene: CIC (capicua transcriptional repressor; plus strand). Cytogenetic location: 19q13.2.
Variant type: Duplication.
Coding change: c.3059dup on transcript NM_001386298.1 (MANE Select); coding-DNA position 3059, one base duplicated (C; older notation c.3059dupC).
Protein change: p.His1021fs; shifts the reading frame from histidine 1021.
Molecular consequence: frameshift variant.
Genome position (GRCh38, 1-based): chr19:42,287,120, C duplicated; the last of 5 consecutive C bases (chr19:42,287,116-42,287,120); duplicating any one gives the same sequence. VCF-style (leftmost placement, unchanged base first): chr19-42287115-A-AC. GRCh37 (hg19) VCF-style: chr19-42791267-A-AC.
Other names: c.3059dup, p.His1021fs (NM_001304815.2, NM_001379480.1, NM_001379482.1); c.3059dup, p.His1021Thrfs (NM_001379483.1); c.332dup, p.His112fs (NM_001379484.1, NM_001379485.1, NM_015125.5); short protein forms H1021fs, H112fs.
Identifiers: ClinVar variation 1708217 (VCV001708217.2), dbSNP rs2513811168, ClinGen allele CA2580097346.

ClinVar aggregate classification (germline): Pathogenic (1 of 4 stars; one submission).

Conditions:
Autosomal dominant non-syndromic intellectual disability. Identifiers: Orphanet 178469, MedGen C5680502, MONDO:0015802.

Submission:

Genetics Laboratory, UDIAT-Centre Diagnòstic, Hospital Universitari Parc Tauli
Classification: Pathogenic for Autosomal dominant non-syndromic intellectual disability. Last evaluated: 2022-10-04. Review status: criteria provided, single submitter. Criteria: Parc Tauli Hospital Assertion Criteria 2021. Collection method: clinical testing. Allele origin: de novo. Inheritance: Autosomal dominant inheritance. Affected: yes.
Comment: PVS1;PM2_supporting;PM6